The following is an entry in ClinVar:

ClinVar aggregate classification (germline): Uncertain significance (1 of 4 stars; one submission).

Allele frequency attached by ClinVar (database versions not stated): gnomAD exomes below 0.00001.
gnomAD v4.1: 2 of 1,532,810 alleles (0.00013%); highest among the groups gnomAD compares: African/African-American, 0.0014%; no homozygotes.

Submission:

Labcorp Genetics (formerly Invitae), Labcorp
Classification: Uncertain significance. Last evaluated: 2021-01-19. Review status: criteria provided, single submitter. Criteria: Invitae Variant Classification Sherloc (09022015). Collection method: clinical testing. Allele origin: germline.
Comment: In summary, the available evidence is currently insufficient to determine the role of this variant in disease. Therefore, it has been classified as a Variant of Uncertain Significance. Algorithms developed to predict the effect of missense changes on protein structure and function are either unavailable or do not agree on the potential impact of this missense change (SIFT: "Tolerated"; PolyPhen-2: "Possibly Damaging"; Align-GVGD: "Class C0"). This variant has not been reported in the literature in individuals with FSCN2-related conditions. This variant is not present in population databases (ExAC no frequency). This sequence change replaces glutamine with lysine at codon 283 of the FSCN2 protein (p.Gln283Lys). The glutamine residue is moderately conserved and there is a small physicochemical difference between glutamine and lysine.

NM_012418.4(FSCN2):c.847C>A (p.Gln283Lys)

Gene: FSCN2 (fascin actin-bundling protein 2, retinal; plus strand). Cytogenetic location: 17q25.3.
Variant type: single nucleotide variant.
Coding change: c.847C>A on transcript NM_012418.4 (MANE Select); coding-DNA position 847, C replaced by A.
Protein change: p.Gln283Lys; replaces glutamine 283 with lysine.
Molecular consequence: missense variant.
Genome position (GRCh38, 1-based): chr17:81,535,072, C>A. VCF-style: chr17-81535072-C-A. GRCh37 (hg19) VCF-style: chr17-79502098-C-A.
Other names: c.847C>A, p.Gln283Lys (NM_001077182.3); short protein forms Q283K.
Identifiers: ClinVar variation 1469455 (VCV001469455.8), dbSNP rs2032803171, ClinGen allele CA401475357.
Genomic context (GRCh38, chr17:81,535,072, plus strand): 5'-CAGGAGAGGCGTGAGGGGCTTCCCCATCTCCTCCCTCCAGGGGTCAACGTCTCAGCCAAT[C>A]AGGATGATGAACTAGACCACGAGACCTTCCTGATGCAAATTGACCAGGAGACAAAGAAGT-3'
Protein context (NP_036550.1, residues 273-293): VRQGVNVSAN[Gln283Lys]DDELDHETFL